The following is an entry in ClinVar:

NM_014704.4(CEP104):c.2441G>A (p.Arg814His)

Gene: CEP104 (centrosomal protein 104; minus strand). Cytogenetic location: 1p36.32.
Variant type: single nucleotide variant.
Coding change: c.2441G>A on transcript NM_014704.4 (MANE Select); coding-DNA position 2441, G replaced by A.
Protein change: p.Arg814His; replaces arginine 814 with histidine.
Molecular consequence: missense variant.
Genome position (GRCh38, 1-based): chr1:3,823,486, C>T on the plus strand (G>A on the coding strand, the complement: CEP104 is on the minus strand). VCF-style: chr1-3823486-C-T. GRCh37 (hg19) VCF-style: chr1-3740050-C-T.
Other names: short protein forms R814H.
Identifiers: ClinVar variation 967846 (VCV000967846.8), dbSNP rs367663524, ClinGen allele CA551292.

ClinVar aggregate classification (germline): Uncertain significance. Review status: criteria provided, multiple submitters, no conflicts (2 of 4 stars). 3 submissions from 3 submitters: Uncertain significance (3). Last evaluated 2025-06-26.

Conditions:
Inborn genetic diseases. Identifiers: MedGen C0950123, MeSH D030342.
Joubert syndrome 25 (JBTS25). Identifiers: Orphanet 475, MedGen C4084842, MONDO:0014770, OMIM 616781.

Allele frequency attached by ClinVar (database versions not stated): ExAC 0.00001; gnomAD 0.00001; gnomAD exomes 0.00002 and 0.00004; TOPMed 0.00002; ESP Exome Variant Server 0.00008.
gnomAD v4.1: 56 of 1,614,124 alleles (0.0035%); highest among the groups gnomAD compares: South Asian, 0.0044%; no homozygotes.

Submissions (3):

Ambry Genetics
Classification: Uncertain significance for Inborn genetic diseases. Last evaluated: 2025-06-26. Review status: criteria provided, single submitter. Criteria: Ambry Variant Classification Scheme 2023. Collection method: clinical testing. Allele origin: germline.

Blueprint Genetics
Classification: Uncertain significance. Last evaluated: 2022-09-15. Review status: criteria provided, single submitter. Criteria: ACMG Guidelines, 2015. Collection method: clinical testing. Allele origin: germline.

Labcorp Genetics (formerly Invitae), Labcorp
Classification: Uncertain significance for Joubert syndrome 25. Last evaluated: 2021-08-25. Review status: criteria provided, single submitter. Criteria: Invitae Variant Classification Sherloc (09022015). Collection method: clinical testing. Allele origin: germline.
Comment: This sequence change replaces arginine with histidine at codon 814 of the CEP104 protein (p.Arg814His). The arginine residue is highly conserved and there is a small physicochemical difference between arginine and histidine. This variant is present in population databases (rs367663524, ExAC 0.001%). This variant has not been reported in the literature in individuals affected with CEP104-related conditions. Algorithms developed to predict the effect of missense changes on protein structure and function are either unavailable or do not agree on the potential impact of this missense change (SIFT: "Deleterious"; PolyPhen-2: "Probably Damaging"; Align-GVGD: "Class C0"). In summary, the available evidence is currently insufficient to determine the role of this variant in disease. Therefore, it has been classified as a Variant of Uncertain Significance.